The following is an entry in ClinVar:

ClinVar aggregate classification (germline): Uncertain significance (1 of 4 stars; one submission).

gnomAD v4.1: 10 of 1,613,880 alleles (0.00062%); highest among the groups gnomAD compares: Non-Finnish European, 0.00051%; no homozygotes.

Submission:

Labcorp Genetics (formerly Invitae), Labcorp
Classification: Uncertain significance. Last evaluated: 2025-07-01. Review status: criteria provided, single submitter. Criteria: Invitae Variant Classification Sherloc (09022015). Collection method: clinical testing. Allele origin: germline.
Comment: This sequence change replaces asparagine, which is neutral and polar, with lysine, which is basic and polar, at codon 201 of the SLC1A4 protein (p.Asn201Lys). This variant is present in population databases (rs766489399, gnomAD 0.003%). This variant has not been reported in the literature in individuals affected with SLC1A4-related conditions. ClinVar contains an entry for this variant (Variation ID: 1475372). An algorithm developed to predict the effect of missense changes on protein structure and function (PolyPhen-2) suggests that this variant is likely to be tolerated. In summary, the available evidence is currently insufficient to determine the role of this variant in disease. Therefore, it has been classified as a Variant of Uncertain Significance.

NM_003038.5(SLC1A4):c.603C>G (p.Asn201Lys)

Gene: SLC1A4 (solute carrier family 1 member 4; plus strand). Cytogenetic location: 2p14.
Variant type: single nucleotide variant.
Coding change: c.603C>G on transcript NM_003038.5 (MANE Select); coding-DNA position 603, C replaced by G.
Protein change: p.Asn201Lys; replaces asparagine 201 with lysine.
Molecular consequence: missense variant. On other transcripts: 5 prime UTR variant (3).
Genome position (GRCh38, 1-based): chr2:65,003,985, C>G. VCF-style: chr2-65003985-C-G. GRCh37 (hg19) VCF-style: chr2-65231119-C-G.
Other names: c.-58C>G (NM_001193493.2, NM_001348406.2, NM_001348407.2); short protein forms N201K.
Identifiers: ClinVar variation 1475372 (VCV001475372.6), dbSNP rs766489399, ClinGen allele CA1685931.